The following is an entry in ClinVar:

NM_014363.6(SACS):c.8543T>A (p.Phe2848Tyr)

Gene: SACS (sacsin molecular chaperone; minus strand). Cytogenetic location: 13q12.12.
Variant type: single nucleotide variant.
Coding change: c.8543T>A on transcript NM_014363.6 (MANE Select); coding-DNA position 8543, T replaced by A.
Protein change: p.Phe2848Tyr; replaces phenylalanine 2848 with tyrosine.
Molecular consequence: missense variant.
Genome position (GRCh38, 1-based): chr13:23,335,333, A>T on the plus strand (T>A on the coding strand, the complement: SACS is on the minus strand). VCF-style: chr13-23335333-A-T. GRCh37 (hg19) VCF-style: chr13-23909472-A-T.
Other names: c.8102T>A, p.Phe2701Tyr (NM_001278055.2); short protein forms F2701Y, F2848Y.
Identifiers: ClinVar variation 3571682 (VCV003571682.1).
Genomic context (GRCh38, chr13:23,335,333, plus strand): 5'-AAGGCCCTATGGGGTTTTTTATAGTTGTGAGTAATGCAGGCAGCTACTCCACCACGTGGG[A>T]AAAGAGTAATATCTTGGTTCTTGTGAGCTGATATGACACTTTTAGATACTTTCTCCATAC-3'
Protein context (NP_055178.3, residues 2838-2858): SAHKNQDITL[Phe2848Tyr]PRGGVAACIT

ClinVar aggregate classification (germline): Uncertain significance (1 of 4 stars; one submission).

Submission:

Athena Diagnostics
Classification: Uncertain significance. Last evaluated: 2024-09-03. Review status: criteria provided, single submitter. Criteria: Athena Diagnostics Criteria. Collection method: clinical testing. Allele origin: unknown.
Comment: Available data are insufficient to determine the clinical significance of the variant at this time. This variant has not been reported in large, multi-ethnic general populations. Polyphen and MutationTaster yielded discordant predictions regarding whether this amino acid change is damaging to the protein.